The following is an entry in ClinVar:

ClinVar aggregate classification (germline): Conflicting classifications of pathogenicity. Review status: criteria provided, conflicting classifications (1 of 4 stars). 2 submissions from 2 submitters: Uncertain significance (1); Likely benign (1). Last evaluated 2025-08-29.

Conditions:
Inborn genetic diseases. Identifiers: MedGen C0950123, MeSH D030342.

Allele frequency attached by ClinVar (database versions not stated): ExAC 0.00007; gnomAD 0.00009; TOPMed 0.00009; gnomAD exomes 0.00014; ESP Exome Variant Server 0.00015.
gnomAD v4.1: 214 of 1,613,956 alleles (0.013%); highest among the groups gnomAD compares: Non-Finnish European, 0.017%; no homozygotes.

Submissions (2):

Labcorp Genetics (formerly Invitae), Labcorp
Classification: Uncertain significance. Last evaluated: 2025-08-29. Review status: criteria provided, single submitter. Criteria: Invitae Variant Classification Sherloc (09022015). Collection method: clinical testing. Allele origin: germline.
Comment: This sequence change replaces glycine, which is neutral and non-polar, with serine, which is neutral and polar, at codon 162 of the ZMIZ1 protein (p.Gly162Ser). This variant is present in population databases (rs375183403, gnomAD 0.02%). This variant has not been reported in the literature in individuals affected with ZMIZ1-related conditions. ClinVar contains an entry for this variant (Variation ID: 1981199). Invitae Evidence Modeling of protein sequence and biophysical properties (such as structural, functional, and spatial information, amino acid conservation, physicochemical variation, residue mobility, and thermodynamic stability) indicates that this missense variant is not expected to disrupt ZMIZ1 protein function with a negative predictive value of 95%. In summary, the available evidence is currently insufficient to determine the role of this variant in disease. Therefore, it has been classified as a Variant of Uncertain Significance.

Ambry Genetics
Classification: Likely benign for Inborn genetic diseases. Last evaluated: 2024-05-07. Review status: criteria provided, single submitter. Criteria: Ambry Variant Classification Scheme 2023. Collection method: clinical testing. Allele origin: germline.

NM_020338.4(ZMIZ1):c.484G>A (p.Gly162Ser)

Gene: ZMIZ1 (zinc finger MIZ-type containing 1; plus strand). Cytogenetic location: 10q22.3.
Variant type: single nucleotide variant.
Coding change: c.484G>A on transcript NM_020338.4 (MANE Select); coding-DNA position 484, G replaced by A.
Protein change: p.Gly162Ser; replaces glycine 162 with serine.
Molecular consequence: missense variant.
Genome position (GRCh38, 1-based): chr10:79,289,833, G>A. VCF-style: chr10-79289833-G-A. GRCh37 (hg19) VCF-style: chr10-81049590-G-A.
Other names: c.484G>A (NM_020338.3); short protein forms G162S.
Identifiers: ClinVar variation 1981199 (VCV001981199.5), dbSNP rs375183403, ClinGen allele CA5572345.